The following is an entry in ClinVar:

NM_002354.3(EPCAM):c.547A>C (p.Ser183Arg)

Gene: EPCAM (epithelial cell adhesion molecule; plus strand). Cytogenetic location: 2p21.
Variant type: single nucleotide variant.
Coding change: c.547A>C on transcript NM_002354.3 (MANE Select); coding-DNA position 547, A replaced by C.
Protein change: p.Ser183Arg; replaces serine 183 with arginine.
Molecular consequence: missense variant.
Genome position (GRCh38, 1-based): chr2:47,377,069, A>C. VCF-style: chr2-47377069-A-C. GRCh37 (hg19) VCF-style: chr2-47604208-A-C.
Other names: short protein forms S183R.
Identifiers: ClinVar variation 4640479 (VCV004640479.1).

ClinVar aggregate classification (germline): Uncertain significance (1 of 4 stars; one submission).

Conditions:
Hereditary cancer-predisposing syndrome. Also called: Neoplastic Syndromes, Hereditary; Tumor predisposition; Hereditary Cancer Syndrome; Hereditary neoplastic syndrome. Identifiers: Orphanet 140162, MedGen C0027672, MeSH D009386, MONDO:0015356.

Submission:

Ambry Genetics
Classification: Uncertain significance for Hereditary cancer-predisposing syndrome. Last evaluated: 2025-11-24. Review status: criteria provided, single submitter. Criteria: Ambry Variant Classification Scheme 2023. Collection method: clinical testing. Allele origin: germline.
Comment: The p.S183R variant (also known as c.547A>C), located in coding exon 5 of the EPCAM gene, results from an A to C substitution at nucleotide position 547. The serine at codon 183 is replaced by arginine, an amino acid with dissimilar properties. This amino acid position is conserved. In addition, this alteration is predicted to be tolerated by in silico analysis. Based on the available evidence, the clinical significance of this variant remains unclear.